The following is an entry in ClinVar:

NM_000540.3(RYR1):c.11549A>G (p.Asn3850Ser)

Gene: RYR1 (ryanodine receptor 1; plus strand). Cytogenetic location: 19q13.2.
Variant type: single nucleotide variant.
Coding change: c.11549A>G on transcript NM_000540.3 (MANE Select); coding-DNA position 11549, A replaced by G.
Protein change: p.Asn3850Ser; replaces asparagine 3850 with serine.
Molecular consequence: missense variant.
Genome position (GRCh38, 1-based): chr19:38,536,029, A>G. VCF-style: chr19-38536029-A-G. GRCh37 (hg19) VCF-style: chr19-39026669-A-G.
Other names: c.11534A>G, p.Asn3845Ser (NM_001042723.2); short protein forms N3845S, N3850S.
Identifiers: ClinVar variation 3075237 (VCV003075237.1), dbSNP rs1364275202, ClinGen allele CA405656552.

ClinVar aggregate classification (germline): Uncertain significance (1 of 4 stars; one submission).

Conditions:
Malignant hyperthermia, susceptibility to, 1 (MHS1). Also called: Anesthesia related hyperthermia; Malignant hyperpyrexia; Fulminating hyperpyrexia; Pharmacogenic myopathy; RYR1-Related Malignant Hyperthermia Susceptibility; Malignant hyperthermia suceptibility 1. Identifiers: Orphanet 423, MedGen C2930980, MONDO:0007783, OMIM 145600.

Allele frequency attached by ClinVar (database versions not stated): gnomAD exomes 0.00001.
gnomAD v4.1: 8 of 1,613,950 alleles (0.0005%); highest among the groups gnomAD compares: Non-Finnish European, 0.00068%; no homozygotes.

Submission:

All of Us Research Program, National Institutes of Health
Classification: Uncertain significance for Malignant hyperthermia, susceptibility to, 1. Last evaluated: 2024-01-03. Review status: criteria provided, single submitter. Criteria: ACMG Guidelines, 2015. Collection method: clinical testing. Allele origin: germline. Inheritance: Autosomal dominant inheritance. Observed: 1 variant allele, 1 heterozygote.
Comment: This missense variant replaces asparagine with serine at codon 3850 of the RYR1 protein. Computational prediction suggests that this variant may not impact protein structure and function (internally defined REVEL score threshold <= 0.5, PMID: 27666373). To our knowledge, functional studies have not been reported for this variant. This variant has not been reported in individuals affected with RYR1-related disorders in the literature. This variant has been identified in 1/250924 chromosomes in the general population by the Genome Aggregation Database (gnomAD). The available evidence is insufficient to determine the role of this variant in disease conclusively. Therefore, this variant is classified as a Variant of Uncertain Significance.

This study involves interpretation of variants in research participants for the purpose of population health screening. Participant phenotype was not available at the time of variant classification. Additional details can be found in publication PMID: 35346344, PMCID: PMC8962531